The following is an entry in ClinVar:

NM_000127.3(EXT1):c.419del (p.Gly140fs)

Gene: EXT1 (exostosin glycosyltransferase 1; minus strand). Cytogenetic location: 8q24.11.
Variant type: Deletion.
Coding change: c.419del on transcript NM_000127.3 (MANE Select); coding-DNA position 419, one base deleted (G; older notation c.419delG).
Protein change: p.Gly140fs; shifts the reading frame from glycine 140.
Molecular consequence: frameshift variant.
Genome position (GRCh38, 1-based): chr8:118,110,628, C deleted on the plus strand (G on the coding strand, the reverse complement: EXT1 is on the minus strand); the first of 3 consecutive C bases (chr8:118,110,628-118,110,630); deleting any one gives the same sequence. VCF-style (leftmost placement, unchanged base first): chr8-118110627-GC-G. GRCh37 (hg19) VCF-style: chr8-119122866-GC-G.
Other names: short protein forms G140fs.
Identifiers: ClinVar variation 2735207 (VCV002735207.3), dbSNP rs2488052028, ClinGen allele CA2695210194.
Genomic context (GRCh38, chr8:118,110,627, plus strand): 5'-AGTATCCAGACTCAGGACAAAGAGGCACGCCTGGCTGGGGTCCGAGGTGTAGAACCTGGA[GC>G]CCTCGATGGCCGCTAGAATGTTTTGGTAACTTTCGGCGATTTTCTCCCCTTTTTGCTGTG-3'

ClinVar aggregate classification (germline): Pathogenic (1 of 4 stars; one submission).

Conditions:
Multiple congenital exostosis (EXT). Also called: Hereditary multiple exostoses; Hereditary multiple exostosis; MULTIPLE CARTILAGINOUS EXOSTOSES; Multiple exostoses; Multiple osteochondromas; Hereditary multiple osteochondromas. Identifiers: Orphanet 321, MedGen C0015306, MONDO:0005508, HP:0002762.

Submission:

Labcorp Genetics (formerly Invitae), Labcorp
Classification: Pathogenic for Multiple congenital exostosis. Last evaluated: 2024-11-16. Review status: criteria provided, single submitter. Criteria: Invitae Variant Classification Sherloc (09022015). Collection method: clinical testing. Allele origin: germline.
Comment: This sequence change creates a premature translational stop signal (p.Gly140Alafs*17) in the EXT1 gene. It is expected to result in an absent or disrupted protein product. Loss-of-function variants in EXT1 are known to be pathogenic (PMID: 10679937, 11391482, 19810120). This variant is not present in population databases (gnomAD no frequency). This premature translational stop signal has been observed in individual(s) with EXT1-related conditions (PMID: 18452536). This variant is also known as 1bp del. at nt. 418. ClinVar contains an entry for this variant (Variation ID: 2735207). For these reasons, this variant has been classified as Pathogenic.

Literature cited by the submitters: PubMed 10679937; PubMed 11391482; PubMed 19810120; PubMed 18452536.